The following is an entry in ClinVar:

NM_003000.3(SDHB):c.656_707dup (p.Asp236_Pro237insAspTer)

Gene: SDHB (succinate dehydrogenase complex iron sulfur subunit B; minus strand). Cytogenetic location: 1p36.13.
Variant type: Duplication.
Coding change: c.656_707dup on transcript NM_003000.3 (MANE Select); coding-DNA positions 656 to 707, 52 bases duplicated.
Protein change: p.Asp236_Pro237insAspTer.
Molecular consequence: nonsense, inframe insertion.
Genome position (GRCh38, 1-based): chr1:17,022,666-17,022,717, 52 bases duplicated. GRCh37 (hg19): chr1:17,349,164-17,349,215.
Identifiers: ClinVar variation 662440 (VCV000662440.6), dbSNP rs1570944850, ClinGen allele CA915941150.

ClinVar aggregate classification (germline): Pathogenic (1 of 4 stars; one submission).

Conditions:
Pheochromocytoma/paraganglioma syndrome 4. Also called: SDHB-Related Hereditary Paraganglioma-Pheochromocytoma Syndrome (Paragangliomas 4); SDHB-Related Hereditary Paraganglioma-Pheochromocytoma Syndrome; CAROTID BODY TUMORS AND MULTIPLE EXTRAADRENAL PHEOCHROMOCYTOMAS; PARAGANGLIOMA, FAMILIAL MALIGNANT; PARAGANGLIOMAS, HEREDITARY EXTRAADRENAL; PHEOCHROMOCYTOMA, FAMILIAL EXTRAADRENAL. Identifiers: Orphanet 29072, MedGen C1861848, MONDO:0007273, OMIM 115310.
Pheochromocytoma. Also called: MAX-Related Hereditary Paraganglioma-Pheochromocytoma Syndrome. Identifiers: Orphanet 29072, MedGen C0031511, MONDO:0008233, OMIM 171300, HP:0002666.
Gastrointestinal stromal tumor. Also called: Gastrointestinal stromal tumor, somatic; Gastrointestinal stroma tumor. Identifiers: Orphanet 44890, MedGen C0238198, MeSH D046152, MONDO:0011719, OMIM 606764, HP:0100723.

Submission:

Labcorp Genetics (formerly Invitae), Labcorp
Classification: Pathogenic for Gastrointestinal stromal tumor; Pheochromocytoma/paraganglioma syndrome 4; Pheochromocytoma. Last evaluated: 2018-08-13. Review status: criteria provided, single submitter. Criteria: Invitae Variant Classification Sherloc (09022015). Collection method: clinical testing. Allele origin: germline.
Comment: For these reasons, this variant has been classified as Pathogenic. Loss-of-function variants in SDHB are known to be pathogenic (PMID: 19454582, 19802898). This variant has not been reported in the literature in individuals with SDHB-related disease. This variant is not present in population databases (ExAC no frequency). This sequence change creates a premature translational stop signal (p.Pro237Aspfs*2) in the SDHB gene. It is expected to result in an absent or disrupted protein product.

Literature cited by the submitters: PubMed 19454582; PubMed 19802898.